The following is an entry in ClinVar:

ClinVar aggregate classification (germline): Uncertain significance (1 of 4 stars; one submission).

Allele frequency attached by ClinVar (database versions not stated): gnomAD exomes below 0.00001.
gnomAD v4.1: 2 of 1,262,524 alleles (0.00016%); highest among the groups gnomAD compares: South Asian, 0.0014%; no homozygotes.

Submission:

GeneDx
Classification: Uncertain significance. Last evaluated: 2023-05-09. Review status: criteria provided, single submitter. Criteria: GeneDx Variant Classification Process June 2021. Collection method: clinical testing. Allele origin: germline. Affected: yes.
Comment: Not observed at significant frequency in large population cohorts (gnomAD); In silico analysis supports that this missense variant has a deleterious effect on protein structure/function; Has not been previously published as pathogenic or benign to our knowledge

NM_020928.2(ZSWIM6):c.346C>T (p.Arg116Cys)

Gene: ZSWIM6 (zinc finger SWIM-type containing 6; plus strand). Cytogenetic location: 5q12.1.
Variant type: single nucleotide variant.
Coding change: c.346C>T on transcript NM_020928.2 (MANE Select); coding-DNA position 346, C replaced by T.
Protein change: p.Arg116Cys; replaces arginine 116 with cysteine.
Molecular consequence: missense variant.
Genome position (GRCh38, 1-based): chr5:61,332,618, C>T. VCF-style: chr5-61332618-C-T. GRCh37 (hg19) VCF-style: chr5-60628445-C-T.
Other names: short protein forms R116C.
Identifiers: ClinVar variation 2663187 (VCV002663187.1), dbSNP rs2478706973, ClinGen allele CA359940512.